The following is an entry in ClinVar:

NM_001853.4(COL9A3):c.1450G>A (p.Gly484Ser)

Genes: COL9A3 (collagen type IX alpha 3 chain; plus strand), LOC126863084 (MED14-independent group 3 enhancer GRCh37_chr20:61467141-61468340; plus strand). Cytogenetic location: 20q13.33.
Variant type: single nucleotide variant.
Coding change: c.1450G>A on transcript NM_001853.4 (MANE Select); coding-DNA position 1450, G replaced by A.
Protein change: p.Gly484Ser; replaces glycine 484 with serine.
Molecular consequence: missense variant.
Genome position (GRCh38, 1-based): chr20:62,836,235, G>A. VCF-style: chr20-62836235-G-A. GRCh37 (hg19) VCF-style: chr20-61467587-G-A.
Other names: short protein forms G484S.
Identifiers: ClinVar variation 1307863 (VCV001307863.8), dbSNP rs767106237, ClinGen allele CA9949990.

ClinVar aggregate classification (germline): Uncertain significance. Review status: criteria provided, multiple submitters, no conflicts (2 of 4 stars). 4 submissions from 4 submitters: Uncertain significance (4). Last evaluated 2025-10-07.

Conditions:
Inborn genetic diseases. Identifiers: MedGen C0950123, MeSH D030342.
Epiphyseal dysplasia, multiple, 3 (EDM3). Also called: COL9A3-Related Multiple Epiphyseal Dysplasia; Epiphyseal dysplasia, multiple, 3, with or without myopathy. Identifiers: MedGen C1832998, MONDO:0010964, OMIM 600969.
Intervertebral disc disorder (IDD). Also called: INTERVERTEBRAL DISC DISEASE; Lumbar disk degenerative disorder. Identifiers: MedGen C0158252, MONDO:0044339, OMIM 603932.

Allele frequency attached by ClinVar (database versions not stated): gnomAD exomes 0.00002 and 0.00005; gnomAD 0.00004; ExAC 0.00006.
gnomAD v4.1: 41 of 1,613,582 alleles (0.0025%); highest among the groups gnomAD compares: Admixed American, 0.0067%; no homozygotes.

Submissions (4):

Labcorp Genetics (formerly Invitae), Labcorp
Classification: Uncertain significance. Last evaluated: 2025-10-07. Review status: criteria provided, single submitter. Criteria: Invitae Variant Classification Sherloc (09022015). Collection method: clinical testing. Allele origin: germline.
Comment: This sequence change replaces glycine, which is neutral and non-polar, with serine, which is neutral and polar, at codon 484 of the COL9A3 protein (p.Gly484Ser). This variant is present in population databases (rs767106237, gnomAD 0.04%). This variant has not been reported in the literature in individuals affected with COL9A3-related conditions. ClinVar contains an entry for this variant (Variation ID: 1307863). Invitae Evidence Modeling of protein sequence and biophysical properties (such as structural, functional, and spatial information, amino acid conservation, physicochemical variation, residue mobility, and thermodynamic stability) indicates that this missense variant is expected to disrupt COL9A3 protein function with a positive predictive value of 95%. In summary, the available evidence is currently insufficient to determine the role of this variant in disease. Therefore, it has been classified as a Variant of Uncertain Significance.

Ambry Genetics
Classification: Uncertain significance for Inborn genetic diseases. Last evaluated: 2023-09-25. Review status: criteria provided, single submitter. Criteria: Ambry Variant Classification Scheme 2023. Collection method: clinical testing. Allele origin: germline.

Fulgent Genetics
Classification: Uncertain significance for Epiphyseal dysplasia, multiple, 3; Intervertebral disc disorder. Last evaluated: 2021-10-13. Review status: criteria provided, single submitter. Criteria: ACMG Guidelines, 2015. Collection method: clinical testing. Allele origin: unknown.

GeneDx
Classification: Uncertain significance. Last evaluated: 2019-08-09. Review status: criteria provided, single submitter. Criteria: GeneDx Variant Classification Process June 2021. Collection method: clinical testing. Allele origin: germline. Affected: yes.
Comment: Has not been previously published as pathogenic or benign to our knowledge; In silico analysis, which includes protein predictors and evolutionary conservation, supports a deleterious effect